The following is an entry in ClinVar:

NM_016333.4(SRRM2):c.1868G>A (p.Arg623His)

Gene: SRRM2 (serine/arginine repetitive matrix 2; plus strand). Cytogenetic location: 16p13.3.
Variant type: single nucleotide variant.
Coding change: c.1868G>A on transcript NM_016333.4 (MANE Select); coding-DNA position 1868, G replaced by A.
Protein change: p.Arg623His; replaces arginine 623 with histidine.
Molecular consequence: missense variant.
Genome position (GRCh38, 1-based): chr16:2,762,396, G>A. VCF-style: chr16-2762396-G-A. GRCh37 (hg19) VCF-style: chr16-2812397-G-A.
Other names: p.Arg623His; short protein forms R623H.
Identifiers: ClinVar variation 2466919 (VCV002466919.4), dbSNP rs775024394, ClinGen allele CA7847394.

ClinVar aggregate classification (germline): Uncertain significance. Review status: criteria provided, multiple submitters, no conflicts (2 of 4 stars). 2 submissions from 2 submitters: Uncertain significance (2). Last evaluated 2024-11-13.

Conditions:
Inborn genetic diseases. Identifiers: MedGen C0950123, MeSH D030342.
Intellectual developmental disorder, autosomal dominant 72 (MRD72). Identifiers: Orphanet 652487, MedGen C5830612, MONDO:0957397, OMIM 620439.

Allele frequency attached by ClinVar (database versions not stated): ExAC 0.00001; gnomAD 0.00001; gnomAD exomes 0.00001; TOPMed 0.00001.
gnomAD v4.1: 11 of 1,614,074 alleles (0.00068%); highest among the groups gnomAD compares: South Asian, 0.0033%; no homozygotes.

Submissions (2):

Foundation for Research in Genetics and Endocrinology, FRIGE's Institute of Human Genetics
Classification: Uncertain significance for Intellectual developmental disorder, autosomal dominant 72. Last evaluated: 2024-11-13. Review status: criteria provided, single submitter. Criteria: ACMG Guidelines, 2015. Collection method: clinical testing. Allele origin: germline. Inheritance: Autosomal dominant inheritance. Affected: yes. Observed: 1 heterozygote.
Comment: A heterozygous missense variant in exon 11 of the SRRM2 gene that results in the amino acid substitution of Histidine for Arginine at codon 623 (p.Arg623His) was detected. This variant has not been reported in the 1000 genomes databases and has a minor allele frequency of 0.0007%, 0.0004% and 0.001% in the gnomAD (v3.1), gnomAD (v2.1) and topmed databases respectively. The in silico predictions of the variant are damaging by SIFT and LRT. The reference codon is conserved across species. In summary, the variant meets our criteria to be classified as variant of uncertain significance.

Ambry Genetics
Classification: Uncertain significance for Inborn genetic diseases. Last evaluated: 2023-03-06. Review status: criteria provided, single submitter. Criteria: Ambry Variant Classification Scheme 2023. Collection method: clinical testing. Allele origin: germline.